The following is an entry in ClinVar:

NM_005006.7(NDUFS1):c.592A>C (p.Thr198Pro)

Gene: NDUFS1 (NADH:ubiquinone oxidoreductase core subunit S1; minus strand). Cytogenetic location: 2q33.3.
Variant type: single nucleotide variant.
Coding change: c.592A>C on transcript NM_005006.7 (MANE Select); coding-DNA position 592, A replaced by C.
Protein change: p.Thr198Pro; replaces threonine 198 with proline.
Molecular consequence: missense variant.
Genome position (GRCh38, 1-based): chr2:206,147,048, T>G on the plus strand (A>C on the coding strand, the complement: NDUFS1 is on the minus strand). VCF-style: chr2-206147048-T-G. GRCh37 (hg19) VCF-style: chr2-207011772-T-G.
Other names: c.484A>C, p.Thr162Pro (NM_001199981.2); c.259A>C, p.Thr87Pro (NM_001199982.2); c.421A>C, p.Thr141Pro (NM_001199983.2); c.634A>C, p.Thr212Pro (NM_001199984.2); short protein forms T212P, T198P, T141P, T87P, T162P.
Identifiers: ClinVar variation 1393331 (VCV001393331.1), dbSNP rs1309978370, ClinGen allele CA350060238.

ClinVar aggregate classification (germline): Uncertain significance (1 of 4 stars; one submission).

Submission:

Labcorp Genetics (formerly Invitae), Labcorp
Classification: Uncertain significance. Last evaluated: 2021-12-02. Review status: criteria provided, single submitter. Criteria: Invitae Variant Classification Sherloc (09022015). Collection method: clinical testing. Allele origin: germline.
Comment: This sequence change replaces threonine, which is neutral and polar, with proline, which is neutral and non-polar, at codon 198 of the NDUFS1 protein (p.Thr198Pro). This variant is not present in population databases (gnomAD no frequency). This variant has not been reported in the literature in individuals affected with NDUFS1-related conditions. Algorithms developed to predict the effect of missense changes on protein structure and function are either unavailable or do not agree on the potential impact of this missense change (SIFT: "Deleterious"; PolyPhen-2: "Probably Damaging"; Align-GVGD: "Class C0"). In summary, the available evidence is currently insufficient to determine the role of this variant in disease. Therefore, it has been classified as a Variant of Uncertain Significance.